The following is an entry in ClinVar:

NM_000487.6(ARSA):c.818T>C (p.Leu273Pro)

Gene: ARSA (arylsulfatase A; minus strand). Cytogenetic location: 22q13.33.
Variant type: single nucleotide variant.
Coding change: c.818T>C on transcript NM_000487.6 (MANE Select); coding-DNA position 818, T replaced by C.
Protein change: p.Leu273Pro; replaces leucine 273 with proline.
Molecular consequence: missense variant.
Genome position (GRCh38, 1-based): chr22:50,626,627, A>G on the plus strand (T>C on the coding strand, the complement: ARSA is on the minus strand). VCF-style: chr22-50626627-A-G. GRCh37 (hg19) VCF-style: chr22-51065055-A-G.
Other names: c.818T>C, p.Leu273Pro (NM_001085425.3, NM_001085426.3, NM_001085427.3); c.560T>C, p.Leu187Pro (NM_001085428.3, NM_001362782.2); short protein forms L187P, L273P.
Identifiers: ClinVar variation 1716214 (VCV001716214.5), dbSNP rs2518329273, ClinGen allele CA412175978.
Genomic context (GRCh38, chr22:50,626,627, plus strand): 5'-CACCCAGCTGCCCTGCTGGCATACCCATTGTCTGCAGTGAAGATGACCAGCGTCTCTTCA[A>G]GCAGCCCCAGGTCCCCTATGGCTGTCATCAGGGTCCCCACAGCTGCATCCAGCTCCATCA-3'
Protein context (NP_000478.3, residues 263-283): LMTAIGDLGL[Leu273Pro]EETLVIFTAD

ClinVar aggregate classification (germline): Uncertain significance (1 of 4 stars; one submission).

Conditions:
Metachromatic leukodystrophy (MLD). Also called: ARSA DEFICIENCY; CEREBROSIDE SULFATASE DEFICIENCY; Cerebral sclerosis diffuse metachromatic form; Arylsulfatase A Deficiency; SULFATIDE LIPIDOSIS; METACHROMATIC LEUKOENCEPHALOPATHY. Identifiers: Orphanet 512, MedGen C0023522, MONDO:0018868, OMIM 250100.

Submission:

Labcorp Genetics (formerly Invitae), Labcorp
Classification: Uncertain significance for Metachromatic leukodystrophy. Last evaluated: 2022-08-12. Review status: criteria provided, single submitter. Criteria: Invitae Variant Classification Sherloc (09022015). Collection method: clinical testing. Allele origin: germline.
Comment: In summary, the available evidence is currently insufficient to determine the role of this variant in disease. Therefore, it has been classified as a Variant of Uncertain Significance. Advanced modeling of protein sequence and biophysical properties (such as structural, functional, and spatial information, amino acid conservation, physicochemical variation, residue mobility, and thermodynamic stability) performed at Invitae indicates that this missense variant is expected to disrupt ARSA protein function. This sequence change replaces leucine, which is neutral and non-polar, with proline, which is neutral and non-polar, at codon 273 of the ARSA protein (p.Leu273Pro). This variant is not present in population databases (gnomAD no frequency). This variant has not been reported in the literature in individuals affected with ARSA-related conditions.